The following is an entry in ClinVar:

NM_000744.7(CHRNA4):c.255G>A (p.Thr85=)

Genes: CHRNA4 (cholinergic receptor nicotinic alpha 4 subunit; minus strand), LOC126863087 (P300/CBP strongly-dependent group 1 enhancer GRCh37_chr20:61986832-61988031; plus strand). Cytogenetic location: 20q13.33.
Variant type: single nucleotide variant.
Coding change: c.255G>A on transcript NM_000744.7 (MANE Select); coding-DNA position 255, G replaced by A.
Protein change: p.Thr85=; no amino-acid change (threonine 85 retained).
Molecular consequence: synonymous variant. On other transcripts: 5 prime UTR variant (1), non-coding transcript variant (1).
Genome position (GRCh38, 1-based): chr20:63,356,389, C>T on the plus strand (G>A on the coding strand, the complement: CHRNA4 is on the minus strand). VCF-style: chr20-63356389-C-T. GRCh37 (hg19) VCF-style: chr20-61987741-C-T.
Other names: c.-292G>A (NM_001256573.2).
Identifiers: ClinVar variation 392155 (VCV000392155.14), dbSNP rs145142528, ClinGen allele CA9957906.

ClinVar aggregate classification (germline): Likely benign. Review status: criteria provided, multiple submitters, no conflicts (2 of 4 stars). 4 submissions from 4 submitters: Likely benign (4). Last evaluated 2025-11-23.

Conditions:
Familial sleep-related hypermotor epilepsy. Also called: Autosomal Dominant Sleep-Related Hypermotor (Hyperkinetic) Epilepsy. Identifiers: Orphanet 98784, MedGen C3696898, MONDO:0000030.
Inborn genetic diseases. Identifiers: MedGen C0950123, MeSH D030342.

Allele frequency attached by ClinVar (database versions not stated): TOPMed 0.00004; gnomAD exomes 0.00002.
gnomAD v4.1: 31 of 1,600,700 alleles (0.0019%); highest among the groups gnomAD compares: Non-Finnish European, 0.0023%; no homozygotes.

Submissions (4):

Ambry Genetics
Classification: Likely benign for Inborn genetic diseases. Last evaluated: 2025-11-23. Review status: criteria provided, single submitter. Criteria: Ambry Variant Classification Scheme 2023. Collection method: clinical testing. Allele origin: germline.

Labcorp Genetics (formerly Invitae), Labcorp
Classification: Likely benign. Last evaluated: 2023-05-27. Review status: criteria provided, single submitter. Criteria: Invitae Variant Classification Sherloc (09022015). Collection method: clinical testing. Allele origin: germline.

Blueprint Genetics
Classification: Likely benign. Last evaluated: 2023-05-04. Review status: criteria provided, single submitter. Criteria: ACMG Guidelines, 2015. Collection method: clinical testing. Allele origin: germline.

GeneDx
Classification: Likely benign. Last evaluated: 2016-12-27. Review status: criteria provided, single submitter. Criteria: GeneDx Variant Classification (06012015). Collection method: clinical testing. Allele origin: germline. Affected: yes.
Comment: This variant is considered likely benign or benign based on one or more of the following criteria: it is a conservative change, it occurs at a poorly conserved position in the protein, it is predicted to be benign by multiple in silico algorithms, and/or has population frequency not consistent with disease.